The following is an entry in ClinVar:

ClinVar aggregate classification (germline): Uncertain significance (1 of 4 stars; one submission).

gnomAD v4.1: 1 of 1,396,746 alleles (0.000072%); highest among the groups gnomAD compares: Non-Finnish European, 0.000093%; no homozygotes.

Submission:

Ambry Genetics
Classification: Uncertain significance. Last evaluated: 2024-04-06. Review status: criteria provided, single submitter. Criteria: Ambry Variant Classification Scheme 2023. Collection method: clinical testing. Allele origin: germline.
Comment: The p.A137V variant (also known as c.410C>T), located in coding exon 1 of the EGLN1 gene, results from a C to T substitution at nucleotide position 410. The alanine at codon 137 is replaced by valine, an amino acid with similar properties. This amino acid position is conserved. In addition, this alteration is predicted to be tolerated by in silico analysis. Based on the available evidence, the clinical significance of this variant remains unclear.

NM_022051.3(EGLN1):c.410C>T (p.Ala137Val)

Gene: EGLN1 (egl-9 family hypoxia inducible factor 1; minus strand). Cytogenetic location: 1q42.2.
Variant type: single nucleotide variant.
Coding change: c.410C>T on transcript NM_022051.3 (MANE Select); coding-DNA position 410, C replaced by T.
Protein change: p.Ala137Val; replaces alanine 137 with valine.
Molecular consequence: missense variant.
Genome position (GRCh38, 1-based): chr1:231,421,479, G>A on the plus strand (C>T on the coding strand, the complement: EGLN1 is on the minus strand). VCF-style: chr1-231421479-G-A. GRCh37 (hg19) VCF-style: chr1-231557225-G-A.
Other names: c.410C>T, p.Ala137Val (NM_001377260.1, NM_001377261.1); short protein forms A137V.
Identifiers: ClinVar variation 3274782 (VCV003274782.1).
Genomic context (GRCh38, chr1:231,421,479, plus strand): 5'-TGGAACAGCGATGAGCGGGCCGGCGGCTCCTCCTTGCCGGGCTCGGCTTCGGCAGCCACC[G>A]CCGAGCCCTGGCCGCCGGCGGCCGCACGACACGGCGACGCGGCCGCCGCTGGGTCGGCCG-3'
Protein context (NP_071334.1, residues 127-147): CRAAAGGQGS[Ala137Val]VAAEAEPGKE